The following is an entry in ClinVar:

NM_001378615.1(CC2D2A):c.779T>C (p.Val260Ala)

Genes: CC2D2A (coiled-coil and C2 domain containing 2A; plus strand), FBXL5 (F-box and leucine rich repeat protein 5; minus strand). Cytogenetic location: 4p15.32.
Variant type: single nucleotide variant.
Coding change: c.779T>C on transcript NM_001378615.1 (MANE Select); coding-DNA position 779, T replaced by C.
Protein change: p.Val260Ala; replaces valine 260 with alanine.
Molecular consequence: missense variant.
Genome position (GRCh38, 1-based): chr4:15,514,768, T>C. VCF-style: chr4-15514768-T-C. GRCh37 (hg19) VCF-style: chr4-15516391-T-C.
Other names: c.779T>C, p.Val260Ala (NM_001080522.2); c.632T>C, p.Val211Ala (NM_001378617.1); short protein forms V260A, V211A.
Identifiers: ClinVar variation 1446243 (VCV001446243.8), dbSNP rs1440700780, ClinGen allele CA356409251.

ClinVar aggregate classification (germline): Uncertain significance (1 of 4 stars; one submission).

Conditions:
Joubert syndrome. Also called: JOUBERT-BOLTSHAUSER SYNDROME; Familial aplasia of the vermis. Identifiers: Orphanet 475, MedGen C5979921, MONDO:0018772.
Meckel-Gruber syndrome. Also called: DYSENCEPHALIA SPLANCHNOCYSTICA; GRUBER SYNDROME; Dysencephalia splachnocystica. Identifiers: Orphanet 564, MedGen C0265215, MONDO:0018921.

Allele frequency attached by ClinVar (database versions not stated): gnomAD 0.00001; gnomAD exomes 0.00001; TOPMed below 0.00001.
gnomAD v4.1: 12 of 1,613,294 alleles (0.00074%); highest among the groups gnomAD compares: South Asian, 0.0088%; no homozygotes.

Submission:

Labcorp Genetics (formerly Invitae), Labcorp
Classification: Uncertain significance for Joubert syndrome; Meckel-Gruber syndrome. Last evaluated: 2022-02-04. Review status: criteria provided, single submitter. Criteria: Invitae Variant Classification Sherloc (09022015). Collection method: clinical testing. Allele origin: germline.
Comment: This sequence change replaces valine, which is neutral and non-polar, with alanine, which is neutral and non-polar, at codon 260 of the CC2D2A protein (p.Val260Ala). This variant is present in population databases (no rsID available, gnomAD 0.007%). This variant has not been reported in the literature in individuals affected with CC2D2A-related conditions. Advanced modeling of protein sequence and biophysical properties (such as structural, functional, and spatial information, amino acid conservation, physicochemical variation, residue mobility, and thermodynamic stability) performed at Invitae indicates that this missense variant is not expected to disrupt CC2D2A protein function. In summary, the available evidence is currently insufficient to determine the role of this variant in disease. Therefore, it has been classified as a Variant of Uncertain Significance.